The following is an entry in ClinVar:

NM_001393797.1(ABCC12):c.683G>A (p.Ser228Asn)

Gene: ABCC12 (ATP binding cassette subfamily C member 12; minus strand). Cytogenetic location: 16q12.1.
Variant type: single nucleotide variant.
Coding change: c.683G>A on transcript NM_001393797.1 (MANE Select); coding-DNA position 683, G replaced by A.
Protein change: p.Ser228Asn; replaces serine 228 with asparagine.
Molecular consequence: missense variant. On other transcripts: non-coding transcript variant (5).
Genome position (GRCh38, 1-based): chr16:48,139,311, C>T on the plus strand (G>A on the coding strand, the complement: ABCC12 is on the minus strand). VCF-style: chr16-48139311-C-T. GRCh37 (hg19) VCF-style: chr16-48173222-C-T.
Other names: c.683G>A, p.Ser228Asn (NM_001392028.1, NM_033226.3); short protein forms S228N.
Identifiers: ClinVar variation 4989990 (VCV004989990.1).
Genomic context (GRCh38, chr16:48,139,311, plus strand): 5'-ATTAGGATCGGGATGGTGGCTGGCAAAGGACAAAACAAGGCAGCTTCAAACAAAGAATAG[C>T]TATCACTTGACAGTATATTGAGCACCTGGAAAGAAAAGCGCAAAGGTTCAGGCTTTGGAA-3'
Protein context (NP_001380726.1, residues 218-238): GEVLNILSSD[Ser228Asn]YSLFEAALFC

ClinVar aggregate classification (germline): Uncertain significance (1 of 4 stars; one submission).

Conditions:
ABCC12-related condition.

gnomAD v4.1: 4 of 1,612,984 alleles (0.00025%); highest among the groups gnomAD compares: Middle Eastern, 0.017%; no homozygotes.

Submission:

PreventionGenetics, part of Exact Sciences
Classification: Uncertain significance for ABCC12-related condition. Last evaluated: 2026-01-26. Review status: criteria provided, single submitter. Criteria: ACMG Guidelines, 2015. Collection method: clinical testing. Allele origin: germline.
Comment: The ABCC12 c.683G>A variant is predicted to result in the amino acid substitution p.Ser228Asn. To our knowledge, this variant has not been reported in the literature. This variant is reported in 0.0033% of alleles in individuals of South Asian descent in gnomAD. At this time, the clinical significance of this variant is uncertain due to the absence of conclusive functional and genetic evidence.